The following is an entry in ClinVar:

ClinVar aggregate classification (germline): Uncertain significance (1 of 4 stars; one submission).

Conditions:
Hypertrophic cardiomyopathy 12. Identifiers: MedGen C2677491, MONDO:0012804, OMIM 612124.
Dilated cardiomyopathy 1M (CMD1M). Identifiers: Orphanet 154, MedGen C1843808, MONDO:0011840, OMIM 607482.

Submission:

Labcorp Genetics (formerly Invitae), Labcorp
Classification: Uncertain significance for Hypertrophic cardiomyopathy 12; Dilated cardiomyopathy 1M. Last evaluated: 2023-08-30. Review status: criteria provided, single submitter. Criteria: Invitae Variant Classification Sherloc (09022015). Collection method: clinical testing. Allele origin: germline.
Comment: In summary, the available evidence is currently insufficient to determine the role of this variant in disease. Therefore, it has been classified as a Variant of Uncertain Significance. An algorithm developed to predict the effect of missense changes on protein structure and function (PolyPhen-2) suggests that this variant is likely to be disruptive. This variant has not been reported in the literature in individuals affected with CSRP3-related conditions. This variant is not present in population databases (gnomAD no frequency). This sequence change replaces methionine, which is neutral and non-polar, with isoleucine, which is neutral and non-polar, at codon 134 of the CSRP3 protein (p.Met134Ile).

NM_003476.5(CSRP3):c.402G>A (p.Met134Ile)

Gene: CSRP3 (cysteine and glycine rich protein 3; minus strand). Cytogenetic location: 11p15.1.
Variant type: single nucleotide variant.
Coding change: c.402G>A on transcript NM_003476.5 (MANE Select); coding-DNA position 402, G replaced by A.
Protein change: p.Met134Ile; replaces methionine 134 with isoleucine.
Molecular consequence: missense variant. On other transcripts: nonsense (1).
Genome position (GRCh38, 1-based): chr11:19,186,228, C>T on the plus strand (G>A on the coding strand, the complement: CSRP3 is on the minus strand). VCF-style: chr11-19186228-C-T. GRCh37 (hg19) VCF-style: chr11-19207775-C-T.
Other names: c.402G>A, p.Met134Ile (NM_001127656.1); c.233G>A, p.Trp78Ter (NM_001369404.1); short protein forms M134I, W78*.
Identifiers: ClinVar variation 2950293 (VCV002950293.1), dbSNP rs2494220190, ClinGen allele CA379887849.